The following is an entry in ClinVar:

NM_181882.3(PRX):c.4117C>T (p.Arg1373Trp)

Gene: PRX (periaxin; minus strand). Cytogenetic location: 19q13.2.
Variant type: single nucleotide variant.
Coding change: c.4117C>T on transcript NM_181882.3 (MANE Select); coding-DNA position 4117, C replaced by T.
Protein change: p.Arg1373Trp; replaces arginine 1373 with tryptophan.
Molecular consequence: missense variant. On other transcripts: 3 prime UTR variant (1).
Genome position (GRCh38, 1-based): chr19:40,394,235, G>A on the plus strand (C>T on the coding strand, the complement: PRX is on the minus strand). VCF-style: chr19-40394235-G-A. GRCh37 (hg19) VCF-style: chr19-40900142-G-A.
Other names: c.*4322C>T (NM_020956.2); short protein forms R1373W.
Identifiers: ClinVar variation 476969 (VCV000476969.8), dbSNP rs766729202, ClinGen allele CA9443692.
Genomic context (GRCh38, chr19:40,394,235, plus strand): 5'-GCCCCCGAGAGGCTTTAGAAGGGGCCGCCAGGCCTACACGTGGCAAGCGGACCCGGACCC[G>A]GCCCCGGCGACCCGAGGCCCCTTCCCCACTGCCCTCTTCCTCCTCCTCCTCCTCCTCCTC-3'
Protein context (NP_870998.2, residues 1363-1383): SGEGASGRRG[Arg1373Trp]VRVRLPRVGL

ClinVar aggregate classification (germline): Uncertain significance. Review status: criteria provided, multiple submitters, no conflicts (2 of 4 stars). 4 submissions from 4 submitters: Uncertain significance (4). Last evaluated 2025-11-02.

Conditions:
PRX-related disorder. Also called: PRX-related condition; PRX-Related Disorders.
Inborn genetic diseases. Identifiers: MedGen C0950123, MeSH D030342.
Charcot-Marie-Tooth disease type 4. Also called: Charcot-Marie-Tooth disease, type IV; Charcot-Marie-Tooth, Type 4. Identifiers: Orphanet 64749, MedGen C4082197, MONDO:0018995.

Allele frequency attached by ClinVar (database versions not stated): ExAC 0.00002; gnomAD 0.00002; TOPMed 0.00002.
gnomAD v4.1: 60 of 1,604,086 alleles (0.0037%); highest among the groups gnomAD compares: Non-Finnish European, 0.0043%; no homozygotes.

Submissions (4):

PreventionGenetics, part of Exact Sciences
Classification: Uncertain significance for PRX-related condition. Last evaluated: 2025-11-02. Review status: criteria provided, single submitter. Criteria: ACMG Guidelines, 2015. Collection method: clinical testing. Allele origin: germline.
Comment: The PRX c.4117C>T variant is predicted to result in the amino acid substitution p.Arg1373Trp. To our knowledge, this variant has not been reported in the literature. This variant is reported in 0.0018% of alleles in individuals of European (Non-Finnish) descent in gnomAD. At this time, the clinical significance of this variant is uncertain due to the absence of conclusive functional and genetic evidence.

Ambry Genetics
Classification: Uncertain significance for Inborn genetic diseases. Last evaluated: 2025-04-05. Review status: criteria provided, single submitter. Criteria: Ambry Variant Classification Scheme 2023. Collection method: clinical testing. Allele origin: germline.

Labcorp Genetics (formerly Invitae), Labcorp
Classification: Uncertain significance for Charcot-Marie-Tooth disease type 4. Last evaluated: 2022-07-29. Review status: criteria provided, single submitter. Criteria: Invitae Variant Classification Sherloc (09022015). Collection method: clinical testing. Allele origin: germline.
Comment: This sequence change replaces arginine, which is basic and polar, with tryptophan, which is neutral and slightly polar, at codon 1373 of the PRX protein (p.Arg1373Trp). This variant is present in population databases (rs766729202, gnomAD 0.002%). This variant has not been reported in the literature in individuals affected with PRX-related conditions. ClinVar contains an entry for this variant (Variation ID: 476969). Algorithms developed to predict the effect of missense changes on protein structure and function (SIFT, PolyPhen-2, Align-GVGD) all suggest that this variant is likely to be disruptive. In summary, the available evidence is currently insufficient to determine the role of this variant in disease. Therefore, it has been classified as a Variant of Uncertain Significance.

Athena Diagnostics
Classification: Uncertain significance. Last evaluated: 2019-01-29. Review status: criteria provided, single submitter. Criteria: Athena Diagnostics Criteria. Collection method: clinical testing. Allele origin: germline.